The following is an entry in ClinVar:

NM_033305.3(VPS13A):c.4509A>G (p.Gln1503=)

Gene: VPS13A (vacuolar protein sorting 13 homolog A; plus strand). Cytogenetic location: 9q21.2.
Variant type: single nucleotide variant.
Coding change: c.4509A>G on transcript NM_033305.3 (MANE Select); coding-DNA position 4509, A replaced by G.
Protein change: p.Gln1503=; no amino-acid change (glutamine 1503 retained).
Molecular consequence: synonymous variant.
Genome position (GRCh38, 1-based): chr9:77,315,349, A>G. VCF-style: chr9-77315349-A-G. GRCh37 (hg19) VCF-style: chr9-79930265-A-G.
Other names: p.Gln1503=; c.4392A>G, p.Gln1464= (NM_001018037.2); c.4509A>G, p.Gln1503= (NM_001018038.3, NM_015186.4).
Identifiers: ClinVar variation 367384 (VCV000367384.21), dbSNP rs79914457, ClinGen allele CA5092540.

ClinVar aggregate classification (germline): Benign. Review status: criteria provided, multiple submitters, no conflicts (2 of 4 stars). 6 submissions from 6 submitters: Benign (6). Last evaluated 2026-02-02.

Conditions:
VPS13A-related neurodegenerative disease. Also called: Choreoacanthocytosis; Chorea-acanthocytosis; LEVINE-CRITCHLEY SYNDROME; Choreaacanthocytosis; ACANTHOCYTOSIS WITH NEUROLOGIC DISORDER; VPS13A Disease. Identifiers: Orphanet 2388, MedGen C0393576, MONDO:0008695, OMIM 200150.

Allele frequency attached by ClinVar (database versions not stated): gnomAD exomes 0.00184 and 0.00504; ExAC 0.00589; gnomAD 0.01921 and 0.02054; 1000 Genomes Project 0.02117; TOPMed 0.02207; ESP Exome Variant Server 0.02222; 1000 Genomes Project 30x 0.02233.
gnomAD v4.1: 5,707 of 1,614,010 alleles (0.35%); highest among the groups gnomAD compares: African/African-American, 6.5%; 165 homozygotes.

Submissions (6):

Labcorp Genetics (formerly Invitae), Labcorp
Classification: Benign. Last evaluated: 2026-02-02. Review status: criteria provided, single submitter. Criteria: Invitae Variant Classification Sherloc (09022015). Collection method: clinical testing. Allele origin: germline.

Athena Diagnostics
Classification: Benign. Last evaluated: 2024-01-04. Review status: criteria provided, single submitter. Criteria: Athena Diagnostics Criteria. Collection method: clinical testing. Allele origin: unknown.

Mayo Clinic Laboratories, Mayo Clinic
Classification: Benign. Last evaluated: 2022-03-24. Review status: criteria provided, single submitter. Criteria: ACMG Guidelines, 2015. Collection method: clinical testing. Allele origin: germline. Observed: 2 variant alleles.

GeneDx
Classification: Benign. Last evaluated: 2018-07-17. Review status: criteria provided, single submitter. Criteria: GeneDx Variant Classification Process June 2021. Collection method: clinical testing. Allele origin: germline. Affected: yes.

Illumina Laboratory Services, Illumina
Classification: Benign for VPS13A-related neurodegenerative disease. Last evaluated: 2018-01-12. Review status: criteria provided, single submitter. Criteria: ICSL Variant Classification Criteria 13 December 2019. Collection method: clinical testing. Allele origin: germline.
Comment: This variant was observed in the ICSL laboratory as part of a predisposition screen in an ostensibly healthy population. It had not been previously curated by ICSL or reported in the Human Gene Mutation Database (HGMD: prior to June 1st, 2018), and was therefore a candidate for classification through an automated scoring system. Utilizing variant allele frequency, disease prevalence and penetrance estimates, and inheritance mode, an automated score was calculated to assess if this variant is too frequent to cause the disease. Based on the score and internal cut-off values, a variant classified as benign is not then subjected to further curation. The score for this variant resulted in a classification of benign for this disease.

Breakthrough Genomics
Classification: Benign. Review status: criteria provided, single submitter. Criteria: ACMG Guidelines, 2015. Collection method: not provided. Allele origin: germline. Inheritance: Autosomal recessive inheritance. Affected: yes.